The following is an entry in ClinVar:

ClinVar aggregate classification (germline): Likely pathogenic. Review status: criteria provided, single submitter (1 of 4 stars). 2 submissions from 2 submitters: Likely pathogenic (1). 1 of the submissions does not count toward it. Last evaluated 2024-02-02.

Conditions:
CEP290-related disorder. Also called: CEP290-related disorders; CEP290-related condition. Identifiers: MedGen CN239314.
Leber congenital amaurosis 10 (LCA10). Identifiers: Orphanet 65, MedGen C1857821, MONDO:0012723, OMIM 611755.
Joubert syndrome 5 (JBTS5). Identifiers: Orphanet 2318, MedGen C1857780, MONDO:0012432, OMIM 610188.
Bardet-Biedl syndrome 14 (BBS14). Identifiers: Orphanet 110, MedGen C2673874, MONDO:0014442, OMIM 615991.
Meckel syndrome, type 4 (MKS4). Also called: MECKEL-GRUBER SYNDROME, TYPE 4. Identifiers: Orphanet 564, MedGen C1970161, MONDO:0012626, OMIM 611134.
Senior-Loken syndrome 6 (SLSN6). Identifiers: Orphanet 3156, MedGen C1857779, MONDO:0012433, OMIM 610189.

Submissions (2):

Fulgent Genetics
Classification: Likely pathogenic for Joubert syndrome 5; Senior-Loken syndrome 6; Meckel syndrome, type 4; Leber congenital amaurosis 10; Bardet-Biedl syndrome 14. Last evaluated: 2024-02-02. Review status: criteria provided, single submitter. Criteria: ACMG Guidelines, 2015. Collection method: clinical testing. Allele origin: germline.

PreventionGenetics, part of Exact Sciences
Classification: Pathogenic for CEP290-related condition. Last evaluated: 2024-06-12. Review status: no assertion criteria provided. Collection method: clinical testing. Allele origin: germline. Not counted in ClinVar's aggregate classification.
Comment: The CEP290 c.2737_2741del5 variant is predicted to result in an in-frame deletion (p.Glu913fs). This variant was reported along with a second premature termination variant in an individual with Leber congenital amaurosis (Sallum et al. 2020. PubMed ID: 32865313). This variant has not been reported in a large population database, indicating this variant is rare. Nonsense variants in CEP290 are expected to be pathogenic. This variant is interpreted as pathogenic.

NM_025114.4(CEP290):c.2737_2741del (p.Lys912_Glu913insTer)

Gene: CEP290 (centrosomal protein 290; minus strand). Cytogenetic location: 12q21.32.
Variant type: Microsatellite.
Coding change: c.2737_2741del on transcript NM_025114.4 (MANE Select); coding-DNA positions 2737 to 2741, 5 bases deleted (GAAAA; older notation c.2737_2741delGAAAA).
Protein change: p.Lys912_Glu913insTer.
Molecular consequence: nonsense.
Genome position (GRCh38, 1-based): chr12:88,106,751-88,106,755, TTTTC deleted on the plus strand (GAAAA on the coding strand, the reverse complement: CEP290 is on the minus strand); deleting any 5 consecutive bases within chr12:88,106,751-88,106,761 gives the same sequence; the c. name uses the placement nearest the transcript's 3' end. VCF-style (leftmost placement, unchanged base first): chr12-88106750-ATTTTC-A. GRCh37 (hg19) VCF-style: chr12-88500527-ATTTTC-A.
Identifiers: ClinVar variation 3346440 (VCV003346440.2).